The following is an entry in ClinVar:

NM_002547.3(OPHN1):c.2215C>T (p.Arg739Cys)

Gene: OPHN1 (oligophrenin 1; minus strand). Cytogenetic location: Xq12.
Variant type: single nucleotide variant.
Coding change: c.2215C>T on transcript NM_002547.3 (MANE Select); coding-DNA position 2215, C replaced by T.
Protein change: p.Arg739Cys; replaces arginine 739 with cysteine.
Molecular consequence: missense variant.
Genome position (GRCh38, 1-based): chrX:68,053,754, G>A on the plus strand (C>T on the coding strand, the complement: OPHN1 is on the minus strand). VCF-style: chrX-68053754-G-A. GRCh37 (hg19) VCF-style: chrX-67273596-G-A.
Other names: c.2215C>T (NM_002547.2); short protein forms R739C.
Identifiers: ClinVar variation 2818621 (VCV002818621.4), dbSNP rs780427271, ClinGen allele CA10436769.

ClinVar aggregate classification (germline): Uncertain significance. Review status: criteria provided, multiple submitters, no conflicts (2 of 4 stars). 2 submissions from 2 submitters: Uncertain significance (2). Last evaluated 2025-11-24.

Conditions:
Inborn genetic diseases. Identifiers: MedGen C0950123, MeSH D030342.

Allele frequency attached by ClinVar (database versions not stated): gnomAD exomes below 0.00001; ExAC 0.00002.
gnomAD v4.1: 4 of 1,210,825 alleles (0.00033%); highest among the groups gnomAD compares: Admixed American, 0.0022%; no homozygotes.

Submissions (2):

Ambry Genetics
Classification: Uncertain significance for Inborn genetic diseases. Last evaluated: 2025-11-24. Review status: criteria provided, single submitter. Criteria: Ambry Variant Classification Scheme 2023. Collection method: clinical testing. Allele origin: germline.

Labcorp Genetics (formerly Invitae), Labcorp
Classification: Uncertain significance. Last evaluated: 2024-07-29. Review status: criteria provided, single submitter. Criteria: Invitae Variant Classification Sherloc (09022015). Collection method: clinical testing. Allele origin: germline.
Comment: This sequence change replaces arginine, which is basic and polar, with cysteine, which is neutral and slightly polar, at codon 739 of the OPHN1 protein (p.Arg739Cys). The frequency data for this variant in the population databases is considered unreliable, as metrics indicate poor data quality at this position in the gnomAD database. This variant has not been reported in the literature in individuals affected with OPHN1-related conditions. An algorithm developed to predict the effect of missense changes on protein structure and function (PolyPhen-2) suggests that this variant is likely to be disruptive. In summary, the available evidence is currently insufficient to determine the role of this variant in disease. Therefore, it has been classified as a Variant of Uncertain Significance.